The following is an entry in ClinVar:

ClinVar aggregate classification (germline): Pathogenic (1 of 4 stars; one submission).

Conditions:
Chromosome 15q26-qter deletion syndrome. Also called: DRAYER SYNDROME. Identifiers: Orphanet 1596, MedGen C2675463, MONDO:0012964, OMIM 612626.

Submission:

Cytogenomics Laboratory, University of Sao Paulo
Classification: Pathogenic for Chromosome 15q26-qter deletion syndrome. Last evaluated: 2020-01-06. Review status: criteria provided, single submitter. Criteria: ACMG Guidelines, 2015. Collection method: clinical testing. Allele origin: de novo. Inheritance: Sporadic. Affected: yes. Observed: 1 heterozygote.
Comment: Chromosome 15q26-qter deletion syndrome is a genetic condition that generally affects development and growth. It was first described in 1977 by Drayer et al., who described two siblings with intellectual disability and multiple congenital abnormalities, including facial dysmorphic features and skeletal abnormalities (Jezela-Stanek et al., 2012; Poot et al., 2013; Rump et al., 2008). There have been few reports to date on chromosome 15q26-qter deletion syndrome, which is considered rare. Indeed, there have been only 24 cases of deletions described in the literature, with variations in the associated clinical characteristics and phenotypes (Bhakta et al., 2005; Bruce et al., 2010; Jezela-Stanek et al., 2012; Okubo et al., 2003; Poot et al., 2007; Poot et al., 2013; Roback et al., 1991; Siebler et al., 1995).

GRCh37/hg19 15q26.2-26.3(chr15:96878099-102397836)x1

Genes: ADAMTS17 (ADAM metallopeptidase with thrombospondin type 1 motif 17; minus strand), ALDH1A3 (aldehyde dehydrogenase 1 family member A3; plus strand), ARRDC4 (arrestin domain containing 4; plus strand), ASB7 (ankyrin repeat and SOCS box containing 7; plus strand), CERS3 (ceramide synthase 3; minus strand) and 19 more. Cytogenetic location: 15q26.2-26.3.
Variant type: copy number loss.
Change: copy number 1 (one copy instead of two) of chr15:96,878,099-102,397,836 (5.52 Mb, GRCh37 coordinates, 1-based), cytogenetic band 15q26.2-26.3.
Identifiers: ClinVar variation 805881 (VCV000805881.3).